The following is an entry in ClinVar:

ClinVar aggregate classification (germline): Conflicting classifications of pathogenicity. Review status: criteria provided, conflicting classifications (1 of 4 stars). 8 submissions from 8 submitters: Uncertain significance (6); Likely benign (2). Last evaluated 2026-08-01.

Conditions:
Combined immunodeficiency due to ORAI1 deficiency. Also called: IMMUNODEFICIENCY 9. Identifiers: Orphanet 169090, Orphanet 317428, MedGen C2748568, MONDO:0013007, OMIM 612782.
Myopathy, tubular aggregate, 2 (TAM2). Identifiers: MedGen C4014557, MONDO:0014383, OMIM 615883.

Allele frequency attached by ClinVar (database versions not stated): gnomAD exomes 0.00013 and 0.00012; gnomAD 0.00014 and 0.00013; 1000 Genomes Project 30x 0.00016; 1000 Genomes Project 0.00020; TOPMed 0.00012.

Submissions (8):

CeGaT Center for Human Genetics Tuebingen
Classification: Uncertain significance. Last evaluated: 2026-08-01. Review status: criteria provided, single submitter. Criteria: CeGaT Center For Human Genetics Tuebingen Variant Classification Criteria Version 2. Collection method: clinical testing. Allele origin: germline. Affected: yes. Observed: 1 variant allele.
Comment: ORAI1: PM2

Labcorp Genetics (formerly Invitae), Labcorp
Classification: Uncertain significance for Myopathy, tubular aggregate, 2; Combined immunodeficiency due to ORAI1 deficiency. Last evaluated: 2026-01-20. Review status: criteria provided, single submitter. Criteria: Invitae Variant Classification Sherloc (09022015). Collection method: clinical testing. Allele origin: germline.
Comment: This sequence change replaces proline, which is neutral and non-polar, with leucine, which is neutral and non-polar, at codon 5 of the ORAI1 protein (p.Pro5Leu). The frequency data for this variant in the population databases is considered unreliable, as metrics indicate poor data quality at this position in the gnomAD database. This variant has not been reported in the literature in individuals affected with ORAI1-related conditions. ClinVar contains an entry for this variant (Variation ID: 854069). Experimental studies and prediction algorithms are not available or were not evaluated, and the functional significance of this variant is currently unknown. In summary, the available evidence is currently insufficient to determine the role of this variant in disease. Therefore, it has been classified as a Variant of Uncertain Significance.

Blueprint Genetics
Classification: Uncertain significance. Last evaluated: 2024-07-03. Review status: criteria provided, single submitter. Criteria: ACMG Guidelines, 2015. Collection method: clinical testing. Allele origin: germline.

Women's Health and Genetics/Laboratory Corporation of America, LabCorp
Classification: Likely benign. Last evaluated: 2024-02-16. Review status: criteria provided, single submitter. Criteria: LabCorp Variant Classification Summary - May 2015. Collection method: clinical testing. Allele origin: germline.
Comment: Variant summary: ORAI1 c.14C>T (p.Pro5Leu) results in a non-conservative amino acid change in the encoded protein sequence. Two of four in-silico tools predict a benign effect of the variant on protein function. The variant allele was found at a frequency of 0.00013 in 1,225,808 control chromosomes in the gnomAD database (v4.0 dataset), including 1 homozygote. The occurrence in several carriers suggests that this variant is likely not associated with a high penetrance, severe, early onset disease phenotype in heterozygous state. c.14C>T has been reported in the literature in an individual affected with multiple sclerosis, however this patient also carried several other variants (Jafarpour_2022). This report does not provide unequivocal conclusions about association of the variant with Myopathy, Tubular Aggregate, 2. To our knowledge, no experimental evidence demonstrating an impact on protein function has been reported. The following publication have been ascertained in the context of this evaluation (PMID: 35960392). ClinVar contains an entry for this variant (Variation ID: 854069). Based on the evidence outlined above, the variant was classified as likely benign.

Baylor Genetics
Classification: Uncertain significance for Combined immunodeficiency due to ORAI1 deficiency. Last evaluated: 2024-02-06. Review status: criteria provided, single submitter. Criteria: ACMG Guidelines, 2015. Collection method: clinical testing. Allele origin: unknown.

Revvity Omics, Revvity
Classification: Likely benign. Last evaluated: 2023-09-07. Review status: criteria provided, single submitter. Criteria: ACMG Guidelines, 2015. Collection method: clinical testing. Allele origin: germline.

Department of Pathology and Laboratory Medicine, Sinai Health System
Classification: Uncertain significance for Combined immunodeficiency due to ORAI1 deficiency; Myopathy, tubular aggregate, 2. Last evaluated: 2021-11-02. Review status: criteria provided, single submitter. Criteria: ACMG Guidelines, 2015. Collection method: research. Allele origin: germline.

Breakthrough Genomics
Classification: Uncertain significance. Review status: criteria provided, single submitter. Criteria: ACMG Guidelines, 2015. Collection method: not provided. Allele origin: germline. Inheritance: Autosomal recessive inheritance. Affected: yes.

Literature cited by the submitters: PubMed 35960392 (cited by Women's Health and Genetics/Laboratory Corporation of America, LabCorp).

NM_032790.4(ORAI1):c.14C>T (p.Pro5Leu)

Genes: ORAI1 (ORAI calcium release-activated calcium modulator 1; plus strand), LOC130008987 (ATAC-STARR-seq lymphoblastoid silent region 4981; plus strand). Cytogenetic location: 12q24.31.
Variant type: single nucleotide variant.
Coding change: c.14C>T on transcript NM_032790.4 (MANE Select); coding-DNA position 14, C replaced by T.
Protein change: p.Pro5Leu; replaces proline 5 with leucine.
Genome position (GRCh38, 1-based): chr12:121,626,756, C>T. VCF-style: chr12-121626756-C-T. GRCh37 (hg19) VCF-style: chr12-122064661-C-T.
Other names: short protein forms P5L.
Identifiers: ClinVar variation 854069 (VCV000854069.17), dbSNP rs549883296, ClinGen allele CA244608357.